The following is an entry in ClinVar:

ClinVar aggregate classification (germline): Pathogenic (1 of 4 stars; one submission).

Conditions:
Neurofibromatosis, type 1 (NF1). Also called: Peripheral type neurofibromatosis; Neurofibromatosis, type I; VON RECKLINGHAUSEN DISEASE; NEUROFIBROMATOSIS, TYPE I, SOMATIC. Identifiers: Orphanet 636, MedGen C0027831, MONDO:0018975, OMIM 162200. Disease mechanism: loss of function.

Submission:

Labcorp Genetics (formerly Invitae), Labcorp
Classification: Pathogenic for Neurofibromatosis, type 1. Last evaluated: 2021-10-12. Review status: criteria provided, single submitter. Criteria: Invitae Variant Classification Sherloc (09022015). Collection method: clinical testing. Allele origin: germline.
Comment: This sequence change creates a premature translational stop signal (p.Leu952*) in the NF1 gene. It is expected to result in an absent or disrupted protein product. Loss-of-function variants in NF1 are known to be pathogenic (PMID: 10712197, 23913538). For these reasons, this variant has been classified as Pathogenic. This variant has not been reported in the literature in individuals affected with NF1-related conditions. This variant is not present in population databases (ExAC no frequency).

Literature cited by the submitters: PubMed 10712197; PubMed 23913538.

NM_001042492.3(NF1):c.2855T>G (p.Leu952Ter)

Gene: NF1 (neurofibromin 1; plus strand). Cytogenetic location: 17q11.2.
Variant type: single nucleotide variant.
Coding change: c.2855T>G on transcript NM_001042492.3 (MANE Select); coding-DNA position 2855, T replaced by G.
Protein change: p.Leu952Ter; replaces leucine 952 with a stop codon.
Molecular consequence: nonsense.
Genome position (GRCh38, 1-based): chr17:31,229,839, T>G. VCF-style: chr17-31229839-T-G. GRCh37 (hg19) VCF-style: chr17-29556857-T-G.
Other names: c.2855T>G, p.Leu952Ter (NM_000267.4); short protein forms L952*.
Identifiers: ClinVar variation 1415583 (VCV001415583.6), dbSNP rs2067082634, ClinGen allele CA398985966.